The following is an entry in ClinVar:

ClinVar aggregate classification (germline): Uncertain significance (1 of 4 stars; one submission).

Conditions:
Multiple congenital anomalies-hypotonia-seizures syndrome 1 (MCAHS1). Also called: PIGN-CDG; Congenital disorder of glycosylation due to PIGN deficiency; GLYCOSYLPHOSPHATIDYLINOSITOL BIOSYNTHESIS DEFECT 3. Identifiers: Orphanet 280633, MedGen C3279775, MONDO:0013563, OMIM 614080.

Submission:

Laboratorio de Genetica e Diagnostico Molecular, Hospital Israelita Albert Einstein
Classification: Uncertain significance for Multiple congenital anomalies-hypotonia-seizures syndrome 1. Last evaluated: 2023-07-07. Review status: criteria provided, single submitter. Criteria: ACMG Guidelines, 2015. Collection method: clinical testing. Allele origin: germline. Affected: yes.
Comment: ACMG classification criteria: PM2 supporting, BP4 supporting

NM_176787.5(PIGN):c.2359G>A (p.Ala787Thr)

Gene: PIGN (phosphatidylinositol glycan anchor biosynthesis class N; minus strand). Cytogenetic location: 18q21.33.
Variant type: single nucleotide variant.
Coding change: c.2359G>A on transcript NM_176787.5 (MANE Select); coding-DNA position 2359, G replaced by A.
Protein change: p.Ala787Thr; replaces alanine 787 with threonine.
Molecular consequence: missense variant.
Genome position (GRCh38, 1-based): chr18:62,088,767, C>T on the plus strand (G>A on the coding strand, the complement: PIGN is on the minus strand). VCF-style: chr18-62088767-C-T. GRCh37 (hg19) VCF-style: chr18-59756000-C-T.
Other names: c.2359G>A, p.Ala787Thr (NM_012327.6); short protein forms A787T.
Identifiers: ClinVar variation 4056724 (VCV004056724.1).
Genomic context (GRCh38, chr18:62,088,767, plus strand): 5'-ATTAAGTGGGAGTTGCAGCTCTTTAAACCAAAGTCTCCACAAAGGATACAAGGAAAAAGG[C>T]CCTACGGATGTCATCCAGATATAGCTGTCGAAACTGAGTTATATCAGTATTATAAGAGAA-3'
Protein context (NP_789744.1, residues 777-797): RQLYLDDIRR[Ala787Thr]FFLVFFLVTA